The following is an entry in ClinVar:

NM_000059.4(BRCA2):c.6937+13T>G

Gene: BRCA2 (BRCA2 DNA repair associated; plus strand). Cytogenetic location: 13q13.1.
Variant type: single nucleotide variant.
Coding change: c.6937+13T>G on transcript NM_000059.4 (MANE Select); 13 bases into the intron after coding-DNA position 6937, T replaced by G.
Molecular consequence: intron variant.
Genome position (GRCh38, 1-based): chr13:32,344,666, T>G. VCF-style: chr13-32344666-T-G. GRCh37 (hg19) VCF-style: chr13-32918803-T-G.
Identifiers: ClinVar variation 136563 (VCV000136563.15), dbSNP rs587780868, ClinGen allele CA024576.
Genomic context (GRCh38, chr13:32,344,666, plus strand): 5'-TAGAAAATCAAGAAAAATCCTTAAAGGCTTCAAAAAGCACTCCAGATGGTAAAATTAGCT[T>G]TTTATTTATATCTGTTCTCCCTCTATAGGTATGGTATATAATATTCTGACCTCAGGTGAT-3'

ClinVar aggregate classification (germline): Benign/Likely benign. Review status: criteria provided, multiple submitters, no conflicts (2 of 4 stars). 4 submissions from 4 submitters: Benign (1); Likely benign (3). Last evaluated 2025-11-09.

Conditions:
Hereditary cancer-predisposing syndrome. Also called: Neoplastic Syndromes, Hereditary; Hereditary Cancer Syndrome; Tumor predisposition; Hereditary neoplastic syndrome. Identifiers: Orphanet 140162, MedGen C0027672, MeSH D009386, MONDO:0015356.
Hereditary breast ovarian cancer syndrome. Also called: Hereditary breast and ovarian cancer; Hereditary breast and/or ovarian cancer syndrome; Hereditary breast and ovarian cancer syndrome (HBOC); Hereditary breast and ovarian cancer syndrome; Breast and ovarian cancer; BRCA1- and BRCA2-Associated Hereditary Breast and Ovarian Cancer. Identifiers: Orphanet 145, MedGen C0677776, MeSH D061325, MONDO:0003582. Disease mechanism: loss of function.

Allele frequency attached by ClinVar (database versions not stated): TOPMed below 0.00001.
gnomAD v4.1: 2 of 1,510,504 alleles (0.00013%); highest among the groups gnomAD compares: African/African-American, 0.0028%; no homozygotes.

Submissions (4):

Labcorp Genetics (formerly Invitae), Labcorp
Classification: Likely benign for Hereditary breast ovarian cancer syndrome. Last evaluated: 2025-11-09. Review status: criteria provided, single submitter. Criteria: Invitae Variant Classification Sherloc (09022015). Collection method: clinical testing. Allele origin: germline.

Women's Health and Genetics/Laboratory Corporation of America, LabCorp
Classification: Likely benign. Last evaluated: 2024-12-11. Review status: criteria provided, single submitter. Criteria: LabCorp Variant Classification Summary - May 2015. Collection method: clinical testing. Allele origin: germline.

Color Diagnostics, LLC DBA Color Health
Classification: Likely benign for Hereditary cancer-predisposing syndrome. Last evaluated: 2018-08-14. Review status: criteria provided, single submitter. Criteria: ACMG Guidelines, 2015. Collection method: clinical testing. Allele origin: germline.

GeneDx
Classification: Benign. Last evaluated: 2014-05-12. Review status: criteria provided, single submitter. Criteria: GeneDx Variant Classification (06012015). Collection method: clinical testing. Allele origin: germline. Affected: yes.
Comment: This variant is considered likely benign or benign based on one or more of the following criteria: it is a conservative change, it occurs at a poorly conserved position in the protein, it is predicted to be benign by multiple in silico algorithms, and/or has population frequency not consistent with disease.